The following is an entry in ClinVar:

ClinVar aggregate classification (germline): Likely benign. Review status: criteria provided, single submitter (1 of 4 stars). 2 submissions from 2 submitters: Likely benign (1). 1 of the submissions does not count toward it. Last evaluated 2023-11-01.

Conditions:
CENPT-related disorder. Also called: CENPT-related condition.

Allele frequency attached by ClinVar (database versions not stated): gnomAD 0.00010; TOPMed 0.00010; gnomAD exomes 0.00022; ESP Exome Variant Server 0.00024; ExAC 0.00034.

Submissions (2):

CeGaT Center for Human Genetics Tuebingen
Classification: Likely benign. Last evaluated: 2023-11-01. Review status: criteria provided, single submitter. Criteria: CeGaT Center For Human Genetics Tuebingen Variant Classification Criteria Version 2. Collection method: clinical testing. Allele origin: germline. Affected: yes. Observed: 2 variant alleles.
Comment: CENPT: BP4

PreventionGenetics, part of Exact Sciences
Classification: Likely benign for CENPT-related condition. Last evaluated: 2019-12-02. Review status: no assertion criteria provided. Collection method: clinical testing. Allele origin: germline. Not counted in ClinVar's aggregate classification.
Comment: This variant is classified as likely benign based on ACMG/AMP sequence variant interpretation guidelines (Richards et al. 2015 PMID: 25741868, with internal and published modifications).

NM_025082.4(CENPT):c.386+7A>G

Gene: CENPT (centromere protein T; minus strand). Cytogenetic location: 16q22.1.
Variant type: single nucleotide variant.
Coding change: c.386+7A>G on transcript NM_025082.4 (MANE Select); 7 bases into the intron after coding-DNA position 386, A replaced by G.
Molecular consequence: intron variant.
Genome position (GRCh38, 1-based): chr16:67,832,005, T>C on the plus strand (A>G on the coding strand, the complement: CENPT is on the minus strand). VCF-style: chr16-67832005-T-C. GRCh37 (hg19) VCF-style: chr16-67865908-T-C.
Other names: c.386+7A>G (NM_025082.3).
Identifiers: ClinVar variation 2646639 (VCV002646639.25), dbSNP rs376460419, ClinGen allele CA8117908.